The following is an entry in ClinVar:

NM_032043.3(BRIP1):c.2764_2765insA (p.Leu922fs)

Gene: BRIP1 (BRCA1 interacting DNA helicase 1; minus strand). Cytogenetic location: 17q23.2.
Variant type: Insertion.
Coding change: c.2764_2765insA on transcript NM_032043.3 (MANE Select); coding-DNA positions 2764 to 2765, A inserted.
Protein change: p.Leu922fs; shifts the reading frame from leucine 922.
Molecular consequence: frameshift variant.
Genome position: GRCh38 VCF-style: chr17-61685976-A-AT. GRCh37 (hg19) VCF-style: chr17-59763337-A-AT.
Other names: short protein forms L922fs.
Identifiers: ClinVar variation 4867922 (VCV004867922.1).

ClinVar aggregate classification (germline): Pathogenic (1 of 4 stars; one submission).

Conditions:
Hereditary cancer-predisposing syndrome. Also called: Neoplastic Syndromes, Hereditary; Tumor predisposition; Hereditary Cancer Syndrome; Hereditary neoplastic syndrome. Identifiers: Orphanet 140162, MedGen C0027672, MeSH D009386, MONDO:0015356.

Submission:

Ambry Genetics
Classification: Pathogenic for Hereditary cancer-predisposing syndrome. Last evaluated: 2026-05-06. Review status: criteria provided, single submitter. Criteria: Ambry Variant Classification Scheme 2023. Collection method: clinical testing. Allele origin: germline.
Comment: The c.2764_2765insA pathogenic mutation, located in coding exon 18 of the BRIP1 gene, results from an insertion of one nucleotide at position 2764, causing a translational frameshift with a predicted alternate stop codon (p.L922Yfs*17). This variant is considered to be rare based on population cohorts in the Genome Aggregation Database (gnomAD). This variant is expected to result in loss of function by premature protein truncation or nonsense-mediated mRNA decay. As such, this variant is interpreted as a disease-causing mutation.